The following is an entry in ClinVar:

NM_024426.6(WT1):c.216G>T (p.Gln72His)

Genes: WT1 (WT1 transcription factor; minus strand), LOC107982234 (WT1/WT1-AS bi-directional promoter region; plus strand). Cytogenetic location: 11p13.
Variant type: single nucleotide variant.
Coding change: c.216G>T on transcript NM_024426.6 (MANE Select); coding-DNA position 216, G replaced by T.
Protein change: p.Gln72His; replaces glutamine 72 with histidine.
Molecular consequence: missense variant. On other transcripts: non-coding transcript variant (1).
Genome position (GRCh38, 1-based): chr11:32,435,145, C>A on the plus strand (G>T on the coding strand, the complement: WT1 is on the minus strand). VCF-style: chr11-32435145-C-A. GRCh37 (hg19) VCF-style: chr11-32456691-C-A.
Other names: c.216G>T, p.Gln72His (NM_000378.6, NM_024424.5); short protein forms Q72H.
Identifiers: ClinVar variation 241479 (VCV000241479.59), dbSNP rs5030135, ClinGen allele CA064754.

ClinVar aggregate classification (germline): Benign/Likely benign. Review status: criteria provided, multiple submitters, no conflicts (2 of 4 stars). 21 submissions from 15 submitters: Benign (9); Likely benign (11). 1 of the submissions does not count toward it. Last evaluated 2026-09-01.

Conditions:
WT1-related disorder. Also called: WT1-related disorders. Identifiers: MedGen CN377814.
Inborn genetic diseases. Identifiers: MedGen C0950123, MeSH D030342.
Wilms tumor 1 (WT1). Also called: Wilms tumor, somatic. Identifiers: Orphanet 654, MedGen CN033288, MONDO:0008679, OMIM 194070.
11p partial monosomy syndrome (WAGR). Also called: WAGR Spectrum Disorder; WAGR syndrome; CHROMOSOME 11p13 DELETION SYNDROME; WAGR Complex. Identifiers: Orphanet 893, MedGen C0206115, MONDO:0008681, OMIM 194072.
Frasier syndrome. Identifiers: Orphanet 347, MedGen C0950122, MeSH D052159, MONDO:0007635, OMIM 136680.
Drash syndrome (DDS). Also called: WILMS TUMOR AND PSEUDO- OR TRUE HERMAPHRODITISM; NEPHROPATHY, WILMS TUMOR, AND GENITAL ANOMALIES. Identifiers: Orphanet 220, MedGen C0950121, MONDO:0008682, OMIM 194080.
Nephrotic syndrome, type 4 (NPHS4). Also called: Familial mesangial sclerosis; Nephrotic syndrome, early onset with diffuse mesangial sclerosis. Identifiers: Orphanet 656, MedGen C3151568, MONDO:0009733, OMIM 256370.
Meacham syndrome. Also called: Meacham Winn Culler syndrome. Identifiers: Orphanet 3097, MedGen C1837026, MONDO:0012164, OMIM 608978.

Allele frequency attached by ClinVar (database versions not stated): gnomAD 0.00036 and 0.00038; TOPMed 0.00053; gnomAD exomes 0.00125; ExAC 0.00321.
gnomAD v4.1: 674 of 1,521,024 alleles (0.044%); highest among the groups gnomAD compares: Middle Eastern, 0.69%; 3 homozygotes.

Submissions (21):

CeGaT Center for Human Genetics Tuebingen
Classification: Likely benign. Last evaluated: 2026-09-01. Review status: criteria provided, single submitter. Criteria: CeGaT Center For Human Genetics Tuebingen Variant Classification Criteria Version 2. Collection method: clinical testing. Allele origin: germline. Affected: yes. Observed: 32 variant alleles.
Comment: WT1: BS1

Dasa
Classification: Likely benign. Last evaluated: 2026-03-18. Review status: criteria provided, single submitter. Criteria: DASA Assertion Criteria. Collection method: clinical testing. Allele origin: germline.
Comment: NM_024426.6(WT1):c.216G>T (p.Gln72His) is a missense variant that results in the substitution of glutamine with histidine. Multiple computational predictions suggest no deleterious effect on the gene or gene product. The variant is present at low frequency in population datasets. Based on the available data, this variant is classified as likely benign.

Labcorp Genetics (formerly Invitae), Labcorp
Classification: Benign for Wilms tumor 1; Drash syndrome; 11p partial monosomy syndrome; Frasier syndrome. Last evaluated: 2026-01-30. Review status: criteria provided, single submitter. Criteria: Invitae Variant Classification Sherloc (09022015). Collection method: clinical testing. Allele origin: germline.

ARUP Laboratories, Molecular Genetics and Genomics, ARUP Laboratories
Classification: Likely benign. Last evaluated: 2025-07-03. Review status: criteria provided, single submitter. Criteria: ARUP Molecular Germline Variant Investigation Process 2024. Collection method: clinical testing. Allele origin: germline.

Blueprint Genetics
Classification: Likely benign. Last evaluated: 2024-11-27. Review status: criteria provided, single submitter. Criteria: ACMG Guidelines, 2015. Collection method: clinical testing. Allele origin: germline.

Ambry Genetics
Classification: Benign for Inborn genetic diseases. Last evaluated: 2024-11-18. Review status: criteria provided, single submitter. Criteria: Ambry Variant Classification Scheme 2023. Collection method: clinical testing. Allele origin: germline.

KCCC/NGS Laboratory, Kuwait Cancer Control Center
Classification: Benign for Wilms tumor 1. Last evaluated: 2023-07-07. Review status: criteria provided, single submitter. Criteria: ACMG Guidelines, 2015. Collection method: clinical testing. Allele origin: germline. Affected: yes.

Women's Health and Genetics/Laboratory Corporation of America, LabCorp
Classification: Benign. Last evaluated: 2023-04-11. Review status: criteria provided, single submitter. Criteria: LabCorp Variant Classification Summary - May 2015. Collection method: clinical testing. Allele origin: germline.
Comment: Variant summary: WT1 c.216G>T (p.Gln72His) results in a non-conservative amino acid change in the encoded protein sequence. Three of four in-silico tools predict a benign effect of the variant on protein function. The variant allele was found at a frequency of 0.0012 in 117694 control chromosomes. The observed variant frequency is approximately 133 fold of the estimated maximal expected allele frequency for a pathogenic variant in WT1 causing Wilms Tumor, Type 1 phenotype (9.4e-06), strongly suggesting that the variant is benign. To our knowledge, no occurrence of c.216G>T in individuals affected with Wilms Tumor, Type 1 and no experimental evidence demonstrating its impact on protein function have been reported. Seven clinical diagnostic laboratories have submitted clinical-significance assessments for this variant to ClinVar after 2014 without evidence for independent evaluation. All laboratories classified the variant as benign/likely benign. Based on the evidence outlined above, the variant was classified as likely benign.

Genome-Nilou Lab
Classification: Benign for Drash syndrome. Last evaluated: 2021-12-05. Review status: criteria provided, single submitter. Criteria: ACMG Guidelines, 2015. Collection method: clinical testing. Allele origin: germline. Affected: no.

Genome-Nilou Lab
Classification: Benign for Frasier syndrome. Last evaluated: 2021-12-05. Review status: criteria provided, single submitter. Criteria: ACMG Guidelines, 2015. Collection method: clinical testing. Allele origin: germline. Affected: no.

Genome-Nilou Lab
Classification: Benign for Meacham syndrome. Last evaluated: 2021-12-05. Review status: criteria provided, single submitter. Criteria: ACMG Guidelines, 2015. Collection method: clinical testing. Allele origin: germline. Affected: no.

Genome-Nilou Lab
Classification: Benign for Nephrotic syndrome, type 4. Last evaluated: 2021-12-05. Review status: criteria provided, single submitter. Criteria: ACMG Guidelines, 2015. Collection method: clinical testing. Allele origin: germline. Affected: no.

Genome-Nilou Lab
Classification: Benign for Wilms tumor 1. Last evaluated: 2021-12-05. Review status: criteria provided, single submitter. Criteria: ACMG Guidelines, 2015. Collection method: clinical testing. Allele origin: germline. Affected: no.

GeneDx
Classification: Likely benign. Last evaluated: 2020-02-25. Review status: criteria provided, single submitter. Criteria: GeneDx Variant Classification Process June 2021. Collection method: clinical testing. Allele origin: germline. Affected: yes.
Comment: This variant is associated with the following publications: (PMID: 28873162, 27745835)

Illumina Laboratory Services, Illumina
Classification: Likely benign for Wilms tumor 1. Last evaluated: 2019-04-21. Review status: criteria provided, single submitter. Criteria: ICSL Variant Classification Criteria 13 December 2019. Collection method: clinical testing. Allele origin: germline.
Comment: This variant was observed as part of a predisposition screen in an ostensibly healthy population. A literature search was performed for the gene, cDNA change, and amino acid change (where applicable). No publications were found based on this search. Allele frequency data from public databases allowed determination this variant is unlikely to cause disease. Therefore, this variant is classified as likely benign.

Illumina Laboratory Services, Illumina
Classification: Likely benign for Nephrotic syndrome, type 4. Last evaluated: 2019-04-21. Review status: criteria provided, single submitter. Criteria: ICSL Variant Classification Criteria 13 December 2019. Collection method: clinical testing. Allele origin: germline.
Comment: the same text as in the submission from Illumina Laboratory Services, Illumina above.

Illumina Laboratory Services, Illumina
Classification: Likely benign for Meacham syndrome. Last evaluated: 2019-04-21. Review status: criteria provided, single submitter. Criteria: ICSL Variant Classification Criteria 13 December 2019. Collection method: clinical testing. Allele origin: germline.
Comment: the same text as in the submission from Illumina Laboratory Services, Illumina above.

Genetic Services Laboratory, University of Chicago
Classification: Likely benign. Last evaluated: 2018-12-19. Review status: criteria provided, single submitter. Criteria: ACMG Guidelines, 2015. Collection method: clinical testing. Allele origin: germline. Affected: no.

Genomic Diagnostic Laboratory, Division of Genomic Diagnostics, Children's Hospital of Philadelphia
Classification: Likely benign for Wilms tumor 1. Last evaluated: 2015-09-02. Review status: criteria provided, single submitter. Criteria: DGD Variant Analysis Guidelines. Collection method: clinical testing. Allele origin: unknown.

Breakthrough Genomics
Classification: Likely benign. Review status: criteria provided, single submitter. Criteria: ACMG Guidelines, 2015. Collection method: not provided. Allele origin: germline. Inheritance: Autosomal dominant inheritance. Affected: yes.

PreventionGenetics, part of Exact Sciences
Classification: Benign for WT1-related condition. Last evaluated: 2019-11-05. Review status: no assertion criteria provided. Collection method: clinical testing. Allele origin: germline. Not counted in ClinVar's aggregate classification.
Comment: This variant is classified as benign based on ACMG/AMP sequence variant interpretation guidelines (Richards et al. 2015 PMID: 25741868, with internal and published modifications).